The following is an entry in ClinVar:

ClinVar aggregate classification (germline): Uncertain significance. Review status: criteria provided, multiple submitters, no conflicts (2 of 4 stars). 2 submissions from 2 submitters: Uncertain significance (2). Last evaluated 2023-09-08.

Conditions:
Norman-Roberts syndrome (LIS2). Also called: Lissencephaly 2 (Norman-Roberts type). Identifiers: Orphanet 89844, MedGen C0796089, MONDO:0009760, OMIM 257320.
Familial temporal lobe epilepsy 7. Identifiers: Orphanet 101046, MedGen C4225327, MONDO:0014639, OMIM 616436.

Allele frequency attached by ClinVar (database versions not stated): gnomAD exomes below 0.00001 and 0.00001.
gnomAD v4.1: 2 of 1,612,530 alleles (0.00012%); highest among the groups gnomAD compares: Non-Finnish European, 0.00017%; no homozygotes.

Submissions (2):

Women's Health and Genetics/Laboratory Corporation of America, LabCorp
Classification: Uncertain significance. Last evaluated: 2023-09-08. Review status: criteria provided, single submitter. Criteria: LabCorp Variant Classification Summary - May 2015. Collection method: clinical testing. Allele origin: germline.
Comment: Variant summary: RELN c.5630C>A (p.Ser1877Tyr) results in a non-conservative amino acid change in the encoded protein sequence. Four of five in-silico tools predict a damaging effect of the variant on protein function. The variant allele was found at a frequency of 8e-06 in 251178 control chromosomes (i.e., 2 heterozygotes; gnomAD v2.1 Exomes dataset). The available data on variant occurrences in the general population are insufficient to allow any conclusion about variant significance. To our knowledge, no occurrence of c.5630C>A in individuals affected with Epilepsy Familial Temporal Lobe 7 and no experimental evidence demonstrating its impact on protein function have been reported. One submitter has reported clinical-significance assessments for this variant to ClinVar after 2014 and has classified the variant as uncertain significance. Based on the evidence outlined above, the variant was classified as uncertain significance.

Labcorp Genetics (formerly Invitae), Labcorp
Classification: Uncertain significance for Familial temporal lobe epilepsy 7; Norman-Roberts syndrome. Last evaluated: 2022-06-27. Review status: criteria provided, single submitter. Criteria: Invitae Variant Classification Sherloc (09022015). Collection method: clinical testing. Allele origin: germline.
Comment: This variant is present in population databases (no rsID available, gnomAD 0.002%). This sequence change replaces serine, which is neutral and polar, with tyrosine, which is neutral and polar, at codon 1877 of the RELN protein (p.Ser1877Tyr). This variant has not been reported in the literature in individuals affected with RELN-related conditions. Algorithms developed to predict the effect of missense changes on protein structure and function are either unavailable or do not agree on the potential impact of this missense change (SIFT: "Deleterious"; PolyPhen-2: "Possibly Damaging"; Align-GVGD: "Class C0"). In summary, the available evidence is currently insufficient to determine the role of this variant in disease. Therefore, it has been classified as a Variant of Uncertain Significance.

NM_005045.4(RELN):c.5630C>A (p.Ser1877Tyr)

Gene: RELN (reelin; minus strand). Cytogenetic location: 7q22.1.
Variant type: single nucleotide variant.
Coding change: c.5630C>A on transcript NM_005045.4 (MANE Select); coding-DNA position 5630, C replaced by A.
Protein change: p.Ser1877Tyr; replaces serine 1877 with tyrosine.
Molecular consequence: missense variant.
Genome position (GRCh38, 1-based): chr7:103,557,144, G>T on the plus strand (C>A on the coding strand, the complement: RELN is on the minus strand). VCF-style: chr7-103557144-G-T. GRCh37 (hg19) VCF-style: chr7-103197591-G-T.
Other names: c.5630C>A (NM_005045.3); c.5630C>A, p.Ser1877Tyr (NM_173054.3); short protein forms S1877Y.
Identifiers: ClinVar variation 1468415 (VCV001468415.7), dbSNP rs1253194353, ClinGen allele CA368742027.